The following is an entry in ClinVar:

NM_001303052.2(MYT1L):c.761_764del (p.Asp254fs)

Gene: MYT1L (myelin transcription factor 1 like; minus strand). Cytogenetic location: 2p25.3.
Variant type: Deletion.
Coding change: c.761_764del on transcript NM_001303052.2 (MANE Select); coding-DNA positions 761 to 764, 4 bases deleted (ACAG; older notation c.761_764delACAG).
Protein change: p.Asp254fs; shifts the reading frame from aspartic acid 254.
Molecular consequence: frameshift variant.
Genome position (GRCh38, 1-based): chr2:1,923,005-1,923,008, CTGT deleted on the plus strand (ACAG on the coding strand, the reverse complement: MYT1L is on the minus strand); deleting any 4 consecutive bases within chr2:1,923,005-1,923,010 gives the same sequence; the c. name uses the placement nearest the transcript's 3' end. VCF-style (leftmost placement, unchanged base first): chr2-1923004-ACTGT-A. GRCh37 (hg19) VCF-style: chr2-1926776-ACTGT-A.
Other names: c.761_764delACAG (NM_001303052.1); c.761_764del, p.Asp254fs (NM_001329844.2, NM_001329845.1, NM_001329846.3 and 6 more transcripts); short protein forms D254fs.
Identifiers: ClinVar variation 4951999 (VCV004951999.2).

ClinVar aggregate classification (germline): Pathogenic/Likely pathogenic. Review status: criteria provided, multiple submitters, no conflicts (2 of 4 stars). 2 submissions from 2 submitters: Pathogenic (1); Likely pathogenic (1). Last evaluated 2026-03-09.

Conditions:
MYT1L-related disorder. Also called: MYT1L-related condition.

Submissions (2):

PreventionGenetics, part of Exact Sciences
Classification: Likely pathogenic for MYT1L-related condition. Last evaluated: 2026-03-09. Review status: criteria provided, single submitter. Criteria: ACMG Guidelines, 2015. Collection method: clinical testing. Allele origin: germline.
Comment: The MYT1L c.761_764delACAG variant is predicted to result in a frameshift and premature protein termination (p.Asp254Valfs*14). This variant was reported in an individual with autism spectrum disorder (Table S5 in Yuen et al. 2017. PubMed ID: 28263302). This variant has not been reported in a large population database (gnomAD), indicating this variant is rare. Frameshift variants in MYT1L are expected to be pathogenic. This variant is interpreted as likely pathogenic.

Blueprint Genetics
Classification: Pathogenic for MYT1L-related disorders. Last evaluated: 2019-08-09. Review status: criteria provided, single submitter. Criteria: ACMG Guidelines, 2015. Collection method: clinical testing. Allele origin: de novo. Affected: yes. Observed: 1 variant allele.